The following is an entry in ClinVar:

ClinVar aggregate classification (germline): Likely benign. Review status: criteria provided, multiple submitters, no conflicts (2 of 4 stars). 2 submissions from 2 submitters: Likely benign (2). Last evaluated 2025-07-18.

Conditions:
TNNT3-related disorder. Also called: TNNT3-related condition.

gnomAD v4.1: 404 of 1,613,228 alleles (0.025%); highest among the groups gnomAD compares: African/African-American, 0.43%; 1 homozygote.

Submissions (2):

PreventionGenetics, part of Exact Sciences
Classification: Likely benign for TNNT3-related condition. Last evaluated: 2025-07-18. Review status: criteria provided, single submitter. Criteria: ACMG Guidelines, 2015. Collection method: clinical testing. Allele origin: germline.
Comment: This variant is classified as likely benign based on ACMG/AMP sequence variant interpretation guidelines (Richards et al. 2015 PMID: 25741868, with internal and published modifications).

Blueprint Genetics
Classification: Likely benign. Last evaluated: 2024-11-23. Review status: criteria provided, single submitter. Criteria: ACMG Guidelines, 2015. Collection method: clinical testing. Allele origin: germline.

NM_006757.4(TNNT3):c.68-210C>T

Gene: TNNT3 (troponin T3, fast skeletal type; plus strand). Cytogenetic location: 11p15.5.
Variant type: single nucleotide variant.
Coding change: c.68-210C>T on transcript NM_006757.4 (MANE Select); 210 bases into the intron before coding-DNA position 68, C replaced by T.
Molecular consequence: intron variant.
Genome position (GRCh38, 1-based): chr11:1,926,485, C>T. VCF-style: chr11-1926485-C-T. GRCh37 (hg19) VCF-style: chr11-1947715-C-T.
Other names: c.68-210C>T (NM_001297646.2, NM_001042780.3, NM_001042782.3 and 1 more transcripts); c.100+4C>T (NM_001367846.1, NM_001363561.2, NM_001042781.3 and 4 more transcripts); c.89-210C>T (NM_001367848.1); c.82+4C>T (NM_001367845.1); c.49+2913C>T (NM_001367850.1); c.-98-3325C>T (NM_001367851.1); c.70+1209C>T (NM_001367849.1); c.-99+1369C>T (NM_001367852.1).
Identifiers: ClinVar variation 4910233 (VCV004910233.2).